The following is an entry in ClinVar:

ClinVar aggregate classification (germline): Uncertain significance. Review status: criteria provided, multiple submitters, no conflicts (2 of 4 stars). 4 submissions from 4 submitters: Uncertain significance (4). Last evaluated 2024-11-11.

Conditions:
Familial cancer of breast. Also called: Hereditary breast cancer; hereditary breast carcinoma; BREAST CANCER, FAMILIAL. Identifiers: Orphanet 227535, MedGen C0346153, MONDO:0016419, OMIM 114480. Disease mechanism: loss of function.
CHEK2-related cancer predisposition (TPDS4). Also called: CANCER PREDISPOSITION SYNDROME, CHEK2-RELATED; CHEK2-related cancer susceptibility; TUMOR PREDISPOSITION SYNDROME 4. Identifiers: Orphanet 524, MedGen C5882668, MONDO:0700271, OMIM 609265.
Familial prostate cancer. Also called: Hereditary Prostate Cancer. Identifiers: MedGen C2931456, MONDO:0700275, OMIM 176807.
Hereditary cancer-predisposing syndrome. Also called: Hereditary Cancer Syndrome; Hereditary neoplastic syndrome; Neoplastic Syndromes, Hereditary; Tumor predisposition. Identifiers: Orphanet 140162, MedGen C0027672, MeSH D009386, MONDO:0015356.

Allele frequency attached by ClinVar (database versions not stated): gnomAD 0.00001.
gnomAD v4.1: 11 of 1,600,868 alleles (0.00069%); highest among the groups gnomAD compares: East Asian, 0.025%; no homozygotes.

Submissions (4):

Labcorp Genetics (formerly Invitae), Labcorp
Classification: Uncertain significance for Familial cancer of breast. Last evaluated: 2024-11-11. Review status: criteria provided, single submitter. Criteria: Invitae Variant Classification Sherloc (09022015). Collection method: clinical testing. Allele origin: germline.
Comment: This sequence change replaces alanine, which is neutral and non-polar, with serine, which is neutral and polar, at codon 264 of the CHEK2 protein (p.Ala264Ser). The frequency data for this variant in the population databases is considered unreliable, as metrics indicate poor data quality at this position in the gnomAD database. This missense change has been observed in individual(s) with biliary tract cancer and/or breast cancer (PMID: 30287823, 35218119, 36243179). ClinVar contains an entry for this variant (Variation ID: 827326). An algorithm developed to predict the effect of missense changes on protein structure and function outputs the following: PolyPhen-2: "Benign". The serine amino acid residue is found in multiple mammalian species, which suggests that this missense change does not adversely affect protein function. In summary, the available evidence is currently insufficient to determine the role of this variant in disease. Therefore, it has been classified as a Variant of Uncertain Significance.

Ambry Genetics
Classification: Uncertain significance for Hereditary cancer-predisposing syndrome. Last evaluated: 2024-09-23. Review status: criteria provided, single submitter. Criteria: Ambry Variant Classification Scheme 2023. Collection method: clinical testing. Allele origin: germline.
Comment: The p.A264S variant (also known as c.790G>T), located in coding exon 5 of the CHEK2 gene, results from a G to T substitution at nucleotide position 790. The alanine at codon 264 is replaced by serine, an amino acid with similar properties. This alteration was reported as functional in a study assessing CHEK2-complementation through quantification of KAP1 phosphorylation and CHK2 autophosphorylation in human RPE1-CHEK2-knockout cells (Stolarova L et al. Clin Cancer Res, 2023 Aug;29:3037-3050). This amino acid position is not well conserved in available vertebrate species. In addition, this alteration is predicted to be tolerated by in silico analysis. Based on the available evidence, the clinical significance of this variant remains unclear.

Department of Pathology and Laboratory Medicine, Sinai Health System
Classification: Uncertain significance for Familial prostate cancer; CHEK2-related cancer predisposition. Last evaluated: 2022-06-29. Review status: criteria provided, single submitter. Criteria: ACMG Guidelines, 2015. Collection method: clinical testing. Allele origin: germline. Affected: yes.

Color Diagnostics, LLC DBA Color Health
Classification: Uncertain significance for Hereditary cancer-predisposing syndrome. Last evaluated: 2019-09-17. Review status: criteria provided, single submitter. Criteria: ACMG Guidelines, 2015. Collection method: clinical testing. Allele origin: germline.
Comment: This missense variant replaces arginine with serine at codon 264 of the CHEK2 protein. Computational prediction tools and conservation analyses suggest that this variant may not impact protein structure and function. Splice site prediction tools suggest that this variant may not impact RNA splicing. To our knowledge, functional studies have not been performed for this variant. This variant has been reported in a case-control association study of 7051 unselected breast cancer patients and 11,241 female controls of Japanese ancestry (OR 1.8, CI 0.6-5.9, P=0.291, PMID 30287823). This variant has been identified in 1/251104 chromosomes in the general population by the Genome Aggregation Database (gnomAD). The available evidence is insufficient to determine the role of this variant in disease conclusively. Therefore, this variant is classified as a Variant of Uncertain Significance.

Literature cited by the submitters: PubMed 30287823 (cited by Labcorp Genetics (formerly Invitae), Labcorp and Ambry Genetics); PubMed 35218119 (cited by Labcorp Genetics (formerly Invitae), Labcorp); PubMed 36243179 (cited by Labcorp Genetics (formerly Invitae), Labcorp); PubMed 37449874 (cited by Ambry Genetics).

NM_007194.4(CHEK2):c.790G>T (p.Ala264Ser)

Gene: CHEK2 (checkpoint kinase 2; minus strand). Cytogenetic location: 22q12.1.
Variant type: single nucleotide variant.
Coding change: c.790G>T on transcript NM_007194.4 (MANE Select); coding-DNA position 790, G replaced by T.
Protein change: p.Ala264Ser; replaces alanine 264 with serine.
Molecular consequence: missense variant.
Genome position (GRCh38, 1-based): chr22:28,711,911, C>A on the plus strand (G>T on the coding strand, the complement: CHEK2 is on the minus strand). VCF-style: chr22-28711911-C-A. GRCh37 (hg19) VCF-style: chr22-29107899-C-A.
Other names: c.790G>T, p.Ala264Ser (NM_145862.3); c.919G>T, p.Ala307Ser (NM_001005735.3); c.127G>T, p.Ala43Ser (NM_001257387.3); c.589G>T, p.Ala197Ser (NM_001349956.3); short protein forms A197S, A264S, A43S, A307S.
Identifiers: ClinVar variation 827326 (VCV000827326.20), dbSNP rs752493299, ClinGen allele CA411103037.